The following is an entry in ClinVar:

ClinVar aggregate classification (germline): Likely pathogenic (1 of 4 stars; one submission).

Conditions:
Exostoses, multiple, type 2 (EXT2). Also called: Hereditary Multiple Osteochondromatosis, Type II; EXOSTOSES, MULTIPLE, TYPE II. Identifiers: Orphanet 321, MedGen C1851413, MONDO:0007586, OMIM 133701.

Submission:

Labcorp Genetics (formerly Invitae), Labcorp
Classification: Likely pathogenic for Exostoses, multiple, type 2. Last evaluated: 2024-08-31. Review status: criteria provided, single submitter. Criteria: Invitae Variant Classification Sherloc (09022015). Collection method: clinical testing. Allele origin: germline.
Comment: This sequence change affects an acceptor splice site in intron 11 of the EXT2 gene. It is expected to disrupt RNA splicing. Variants that disrupt the donor or acceptor splice site typically lead to a loss of protein function (PMID: 16199547), and loss-of-function variants in EXT2 are known to be pathogenic (PMID: 10679937, 19810120). This variant is not present in population databases (gnomAD no frequency). This variant has not been reported in the literature in individuals affected with EXT2-related conditions. Algorithms developed to predict the effect of sequence changes on RNA splicing suggest that this variant may disrupt the consensus splice site. In summary, the currently available evidence indicates that the variant is pathogenic, but additional data are needed to prove that conclusively. Therefore, this variant has been classified as Likely Pathogenic.

Literature cited by the submitters: PubMed 16199547; PubMed 10679937; PubMed 19810120.

NM_207122.2(EXT2):c.1807-2A>G

Gene: EXT2 (exostosin glycosyltransferase 2; plus strand). Cytogenetic location: 11p11.2.
Variant type: single nucleotide variant.
Coding change: c.1807-2A>G on transcript NM_207122.2 (MANE Select); the canonical splice acceptor site of the intron before coding-DNA position 1807, A replaced by G.
Molecular consequence: splice acceptor variant.
Genome position (GRCh38, 1-based): chr11:44,234,113, A>G. VCF-style: chr11-44234113-A-G. GRCh37 (hg19) VCF-style: chr11-44255663-A-G.
Other names: c.1807-2A>G (NM_001389630.1, NM_001389628.1); c.1837-2A>G (NM_001178083.3); c.1906-2A>G (NM_000401.3).
Identifiers: ClinVar variation 3617478 (VCV003617478.2).